The following is an entry in ClinVar:

ClinVar aggregate classification (germline): Uncertain significance (1 of 4 stars; one submission).

Submission:

GeneDx
Classification: Uncertain significance. Last evaluated: 2022-11-15. Review status: criteria provided, single submitter. Criteria: GeneDx Variant Classification Process June 2021. Collection method: clinical testing. Allele origin: germline. Affected: yes.
Comment: Not observed at significant frequency in large population cohorts (gnomAD); In silico analysis supports that this missense variant has a deleterious effect on protein structure/function; In silico analysis supports a deleterious effect on splicing; Has not been previously published as pathogenic or benign to our knowledge

NM_017934.7(PHIP):c.2889G>C (p.Glu963Asp)

Genes: IRAK1BP1 (interleukin 1 receptor associated kinase 1 binding protein 1; plus strand), PHIP (PHIP subunit of CUL4-Ring ligase complex; minus strand). Cytogenetic location: 6q14.1.
Variant type: single nucleotide variant.
Coding change: c.2889G>C on transcript NM_017934.7 (MANE Select); coding-DNA position 2889, G replaced by C.
Protein change: p.Glu963Asp; replaces glutamic acid 963 with aspartic acid.
Molecular consequence: missense variant.
Genome position (GRCh38, 1-based): chr6:78,978,592, C>G on the plus strand (G>C on the coding strand, the complement: PHIP is on the minus strand). VCF-style: chr6-78978592-C-G. GRCh37 (hg19) VCF-style: chr6-79688309-C-G.
Other names: short protein forms E963D.
Identifiers: ClinVar variation 2502104 (VCV002502104.1), dbSNP rs2481938073, ClinGen allele CA364648542.